The following is an entry in ClinVar:

ClinVar aggregate classification (germline): Conflicting classifications of pathogenicity. Review status: criteria provided, conflicting classifications (1 of 4 stars). 5 submissions from 5 submitters: Uncertain significance (1); Benign (1); Likely benign (3). Last evaluated 2026-01-20.

Conditions:
Microcephaly 1, primary, autosomal recessive (MCPH1). Also called: PREMATURE CHROMOSOME CONDENSATION SYNDROME; PCC SYNDROME; PREMATURE CHROMOSOME CONDENSATION WITH MICROCEPHALY AND MENTAL RETARDATION. Identifiers: Orphanet 2512, MedGen C1855081, MONDO:0009617, OMIM 251200.

Allele frequency attached by ClinVar (database versions not stated): gnomAD 0.00004 and 0.00023; TOPMed 0.00013; gnomAD exomes 0.00040 and 0.00066; ExAC 0.00070; 1000 Genomes Project 0.00140; 1000 Genomes Project 30x 0.00141.
gnomAD v4.1: 633 of 1,614,218 alleles (0.039%); highest among the groups gnomAD compares: South Asian, 0.48%; 9 homozygotes.

Submissions (5):

Labcorp Genetics (formerly Invitae), Labcorp
Classification: Benign. Last evaluated: 2026-01-20. Review status: criteria provided, single submitter. Criteria: Invitae Variant Classification Sherloc (09022015). Collection method: clinical testing. Allele origin: germline.

CeGaT Center for Human Genetics Tuebingen
Classification: Likely benign. Last evaluated: 2025-07-01. Review status: criteria provided, single submitter. Criteria: CeGaT Center For Human Genetics Tuebingen Variant Classification Criteria Version 2. Collection method: clinical testing. Allele origin: germline. Affected: yes. Observed: 7 variant alleles.
Comment: MCPH1: BP4, BP7

Blueprint Genetics
Classification: Likely benign. Last evaluated: 2024-10-18. Review status: criteria provided, single submitter. Criteria: ACMG Guidelines, 2015. Collection method: clinical testing. Allele origin: germline.

Genetic Services Laboratory, University of Chicago
Classification: Likely benign. Last evaluated: 2021-11-16. Review status: criteria provided, single submitter. Criteria: ACMG Guidelines, 2015. Collection method: clinical testing. Allele origin: germline. Affected: no.

Illumina Laboratory Services, Illumina
Classification: Uncertain significance for Microcephaly 1, primary, autosomal recessive. Last evaluated: 2018-01-13. Review status: criteria provided, single submitter. Criteria: ICSL Variant Classification Criteria 13 December 2019. Collection method: clinical testing. Allele origin: germline.

NM_024596.5(MCPH1):c.1233A>G (p.Ser411=)

Gene: MCPH1 (microcephalin 1; plus strand). Cytogenetic location: 8p23.1.
Variant type: single nucleotide variant.
Coding change: c.1233A>G on transcript NM_024596.5 (MANE Select); coding-DNA position 1233, A replaced by G.
Protein change: p.Ser411=; no amino-acid change (serine 411 retained).
Molecular consequence: synonymous variant. On other transcripts: non-coding transcript variant (1).
Genome position (GRCh38, 1-based): chr8:6,444,955, A>G. VCF-style: chr8-6444955-A-G. GRCh37 (hg19) VCF-style: chr8-6302476-A-G.
Other names: c.1233A>G, p.Ser411= (NM_001172574.2, NM_001322042.2, NM_001363979.1 and 1 more transcripts); c.1089A>G, p.Ser363= (NM_001172575.2); c.1227A>G, p.Ser409= (NM_001322043.2); c.1131A>G, p.Ser377= (NM_001322045.2).
Identifiers: ClinVar variation 727404 (VCV000727404.56), dbSNP rs201026769, ClinGen allele CA4610499.